The following is an entry in ClinVar:

NM_002972.4(SBF1):c.4342G>A (p.Glu1448Lys)

Gene: SBF1 (SET binding factor 1; minus strand). Cytogenetic location: 22q13.33.
Variant type: single nucleotide variant.
Coding change: c.4342G>A on transcript NM_002972.4 (MANE Select); coding-DNA position 4342, G replaced by A.
Protein change: p.Glu1448Lys; replaces glutamic acid 1448 with lysine.
Molecular consequence: missense variant.
Genome position (GRCh38, 1-based): chr22:50,455,507, C>T on the plus strand (G>A on the coding strand, the complement: SBF1 is on the minus strand). VCF-style: chr22-50455507-C-T. GRCh37 (hg19) VCF-style: chr22-50893936-C-T.
Other names: c.4267G>A, p.Glu1423Lys (NM_001365819.1); short protein forms E1448K, E1423K.
Identifiers: ClinVar variation 1470946 (VCV001470946.6), dbSNP rs761636318, ClinGen allele CA10316309.

ClinVar aggregate classification (germline): Uncertain significance (1 of 4 stars; one submission).

Allele frequency attached by ClinVar (database versions not stated): gnomAD exomes below 0.00001 and 0.00001; gnomAD 0.00001; TOPMed 0.00001; ExAC 0.00003.
gnomAD v4.1: 2 of 1,606,626 alleles (0.00012%); highest among the groups gnomAD compares: Admixed American, 0.0017%; no homozygotes.

Submission:

Labcorp Genetics (formerly Invitae), Labcorp
Classification: Uncertain significance. Last evaluated: 2022-11-21. Review status: criteria provided, single submitter. Criteria: Invitae Variant Classification Sherloc (09022015). Collection method: clinical testing. Allele origin: germline.
Comment: In summary, the available evidence is currently insufficient to determine the role of this variant in disease. Therefore, it has been classified as a Variant of Uncertain Significance. Advanced modeling of protein sequence and biophysical properties (such as structural, functional, and spatial information, amino acid conservation, physicochemical variation, residue mobility, and thermodynamic stability) performed at Invitae indicates that this missense variant is expected to disrupt SBF1 protein function. ClinVar contains an entry for this variant (Variation ID: 1470946). This variant has not been reported in the literature in individuals affected with SBF1-related conditions. This variant is present in population databases (rs761636318, gnomAD 0.003%). This sequence change replaces glutamic acid, which is acidic and polar, with lysine, which is basic and polar, at codon 1448 of the SBF1 protein (p.Glu1448Lys).